The following is an entry in ClinVar:

NM_001206998.2(ZNRF3):c.898T>A (p.Tyr300Asn)

Gene: ZNRF3 (zinc and ring finger 3; plus strand). Cytogenetic location: 22q12.1.
Variant type: single nucleotide variant.
Coding change: c.898T>A on transcript NM_001206998.2 (MANE Select); coding-DNA position 898, T replaced by A.
Protein change: p.Tyr300Asn; replaces tyrosine 300 with asparagine.
Molecular consequence: missense variant.
Genome position (GRCh38, 1-based): chr22:29,046,869, T>A. VCF-style: chr22-29046869-T-A. GRCh37 (hg19) VCF-style: chr22-29442857-T-A.
Other names: c.598T>A, p.Tyr200Asn (NM_032173.4); short protein forms Y200N, Y300N.
Identifiers: ClinVar variation 4855652 (VCV004855652.1).

ClinVar aggregate classification (germline): Uncertain significance (1 of 4 stars; one submission).

Conditions:
ZNRF3-related disorder.

Submission:

3billion
Classification: Uncertain significance for ZNRF3-related disorder. Last evaluated: 2026-01-01. Review status: criteria provided, single submitter. Criteria: ACMG Guidelines, 2015. Collection method: clinical testing. Allele origin: germline. Affected: yes.
Comment: The variant is not observed in the gnomAD v4.1.0 dataset. Predicted Consequence/Location: Missense variant. Missense changes are a common disease-causing mechanism. In silico tool predictions suggest damaging effect of the variant on gene or gene product [REVEL: 0.68 (>=0.6, sensitivity 0.68 and specificity 0.92)]. Therefore, this variant is classified as VUS according to the recommendation of ACMG/AMP guideline.